The following is an entry in ClinVar:

ClinVar aggregate classification (germline): Benign/Likely benign. Review status: criteria provided, multiple submitters, no conflicts (2 of 4 stars). 4 submissions from 4 submitters: Benign (2); Likely benign (2). Last evaluated 2024-09-23.

Conditions:
Thrombocytopenia. Identifiers: MedGen C0040034, MeSH D013921, MONDO:0002049, HP:0001873.

Allele frequency attached by ClinVar (database versions not stated): gnomAD exomes 0.00019 and 0.00052; ExAC 0.00068; 1000 Genomes Project 30x 0.00156; 1000 Genomes Project 0.00160; gnomAD 0.00209 and 0.00223; TOPMed 0.00219; ESP Exome Variant Server 0.00223.
gnomAD v4.1: 610 of 1,613,646 alleles (0.038%); highest among the groups gnomAD compares: African/African-American, 0.73%; no homozygotes.

Submissions (4):

Blueprint Genetics
Classification: Likely benign. Last evaluated: 2024-09-23. Review status: criteria provided, single submitter. Criteria: ACMG Guidelines, 2015. Collection method: clinical testing. Allele origin: germline.

Mayo Clinic Laboratories, Mayo Clinic
Classification: Likely benign. Last evaluated: 2023-10-05. Review status: criteria provided, single submitter. Criteria: ACMG Guidelines, 2015. Collection method: clinical testing. Allele origin: germline. Observed: 3 variant alleles.
Comment: BS1, BP4, BP7

Illumina Laboratory Services, Illumina
Classification: Benign for Thrombocytopenia. Last evaluated: 2018-01-13. Review status: criteria provided, single submitter. Criteria: ICSL Variant Classification Criteria 13 December 2019. Collection method: clinical testing. Allele origin: germline.
Comment: This variant was observed in the ICSL laboratory as part of a predisposition screen in an ostensibly healthy population. It had not been previously curated by ICSL or reported in the Human Gene Mutation Database (HGMD: prior to June 1st, 2018), and was therefore a candidate for classification through an automated scoring system. Utilizing variant allele frequency, disease prevalence and penetrance estimates, and inheritance mode, an automated score was calculated to assess if this variant is too frequent to cause the disease. Based on the score and internal cut-off values, a variant classified as benign is not then subjected to further curation. The score for this variant resulted in a classification of benign for this disease.

Breakthrough Genomics
Classification: Benign. Review status: criteria provided, single submitter. Criteria: ACMG Guidelines, 2015. Collection method: not provided. Allele origin: germline. Inheritance: Unknown mechanism. Affected: yes.

NM_001172303.3(MASTL):c.2298T>C (p.Val766=)

Gene: MASTL (microtubule associated serine/threonine kinase like; plus strand). Cytogenetic location: 10p12.1.
Variant type: single nucleotide variant.
Coding change: c.2298T>C on transcript NM_001172303.3 (MANE Select); coding-DNA position 2298, T replaced by C.
Protein change: p.Val766=; no amino-acid change (valine 766 retained).
Molecular consequence: synonymous variant. On other transcripts: non-coding transcript variant (1), intron variant (1).
Genome position (GRCh38, 1-based): chr10:27,180,984, T>C. VCF-style: chr10-27180984-T-C. GRCh37 (hg19) VCF-style: chr10-27469913-T-C.
Other names: p.Val765=; c.2310T>C, p.Val770= (NM_001320756.2); c.2313T>C, p.Val771= (NM_001320757.2); c.1830T>C, p.Val610= (NM_001372029.1); c.1815T>C, p.Val605= (NM_001372030.1); c.2295T>C, p.Val765= (NM_032844.5); c.2264-496T>C (NM_001172304.3).
Identifiers: ClinVar variation 299800 (VCV000299800.8), dbSNP rs115175971, ClinGen allele CA5450413.
Genomic context (GRCh38, chr10:27,180,984, plus strand): 5'-AACTTTAGCTGTTTCCTCTTCGATTACAGGTCCTGCGGTAGACTGGTGGGCACTTGGAGT[T>C]TGCTTGTTTGAATTTCTAACAGGAATTCCCCCTTTCAATGATGAAACACCACAACAAGTA-3'
Protein context (NP_001165774.1, residues 756-776): GPAVDWWALG[Val766=]CLFEFLTGIP